The following is an entry in ClinVar:

ClinVar aggregate classification (germline): Uncertain significance (1 of 4 stars; one submission).

Conditions:
ZIC3-related disorder. Also called: ZIC3-related condition; ZIC3-Related Disorders.

gnomAD v4.1: 3 of 521,132 alleles (0.00058%); highest among the groups gnomAD compares: Admixed American, 0.0054%; no homozygotes.

Submission:

PreventionGenetics, part of Exact Sciences
Classification: Uncertain significance for ZIC3-related condition. Last evaluated: 2026-07-07. Review status: criteria provided, single submitter. Criteria: ACMG Guidelines, 2015. Collection method: clinical testing. Allele origin: germline.
Comment: The ZIC3 c.1351A>C variant is predicted to result in the amino acid substitution p.Thr451Pro. To our knowledge, this variant has not been reported in the literature. This variant is reported in 0.011% of alleles in individuals of Latino descent in gnomAD. Although we suspect that this variant may be benign, at this time, the clinical significance of this variant is uncertain due to the absence of conclusive functional and genetic evidence.

NM_001330661.1(ZIC3):c.1351A>C (p.Thr451Pro)

Gene: ZIC3 (Zic family zinc finger 3; plus strand). Cytogenetic location: Xq26.3.
Variant type: single nucleotide variant.
Coding change: c.1351A>C on transcript NM_001330661.1; coding-DNA position 1351, A replaced by C.
Protein change: p.Thr451Pro; replaces threonine 451 with proline.
Molecular consequence: missense variant.
Genome position (GRCh38, 1-based): chrX:137,577,248, A>C. VCF-style: chrX-137577248-A-C. GRCh37 (hg19) VCF-style: chrX-136659407-A-C.
Other names: short protein forms T451P.
Identifiers: ClinVar variation 4994876 (VCV004994876.1).